The following is an entry in ClinVar:

ClinVar aggregate classification (germline): Uncertain significance. Review status: criteria provided, single submitter (1 of 4 stars). 2 submissions from 2 submitters: Uncertain significance (1). 1 of the submissions does not count toward it. Last evaluated 2022-10-13.

Conditions:
MYO18B-related disorder. Also called: MYO18B-related condition.

Allele frequency attached by ClinVar (database versions not stated): gnomAD exomes 0.00003 and 0.00007; gnomAD 0.00013 and 0.00015; TOPMed 0.00013; ExAC 0.00020.
gnomAD v4.1: 67 of 1,584,962 alleles (0.0042%); highest among the groups gnomAD compares: African/African-American, 0.026%; no homozygotes.

Submissions (2):

Labcorp Genetics (formerly Invitae), Labcorp
Classification: Uncertain significance. Last evaluated: 2022-10-13. Review status: criteria provided, single submitter. Criteria: Invitae Variant Classification Sherloc (09022015). Collection method: clinical testing. Allele origin: germline.
Comment: This sequence change replaces arginine, which is basic and polar, with glutamine, which is neutral and polar, at codon 1425 of the MYO18B protein (p.Arg1425Gln). The frequency data for this variant in the population databases is considered unreliable, as metrics indicate poor data quality at this position in the gnomAD database. This variant has not been reported in the literature in individuals affected with MYO18B-related conditions. ClinVar contains an entry for this variant (Variation ID: 1481475). Algorithms developed to predict the effect of missense changes on protein structure and function are either unavailable or do not agree on the potential impact of this missense change (SIFT: "Not Available"; PolyPhen-2: "Probably Damaging"; Align-GVGD: "Not Available"). In summary, the available evidence is currently insufficient to determine the role of this variant in disease. Therefore, it has been classified as a Variant of Uncertain Significance.

PreventionGenetics, part of Exact Sciences
Classification: Uncertain significance for MYO18B-related condition. Last evaluated: 2024-07-12. Review status: no assertion criteria provided. Collection method: clinical testing. Allele origin: germline. Not counted in ClinVar's aggregate classification.
Comment: The MYO18B c.4274G>A variant is predicted to result in the amino acid substitution p.Arg1425Gln. To our knowledge, this variant has not been reported in the literature. This variant is reported in 0.043% of alleles in individuals of African descent in gnomAD. At this time, the clinical significance of this variant is uncertain due to the absence of conclusive functional and genetic evidence.

NM_032608.7(MYO18B):c.4274G>A (p.Arg1425Gln)

Gene: MYO18B (myosin XVIIIB; plus strand). Cytogenetic location: 22q12.1.
Variant type: single nucleotide variant.
Coding change: c.4274G>A on transcript NM_032608.7 (MANE Select); coding-DNA position 4274, G replaced by A.
Protein change: p.Arg1425Gln; replaces arginine 1425 with glutamine.
Molecular consequence: missense variant.
Genome position (GRCh38, 1-based): chr22:25,878,008, G>A. VCF-style: chr22-25878008-G-A. GRCh37 (hg19) VCF-style: chr22-26273975-G-A.
Other names: c.4277G>A, p.Arg1426Gln (NM_001318245.2); c.4274G>A (NM_032608.6); short protein forms R1425Q, R1426Q.
Identifiers: ClinVar variation 1481475 (VCV001481475.6), dbSNP rs778023085, ClinGen allele CA10160824.